The following is an entry in ClinVar:

ClinVar aggregate classification (germline): Likely benign. Review status: criteria provided, multiple submitters, no conflicts (2 of 4 stars). 4 submissions from 4 submitters: Likely benign (4). Last evaluated 2023-04-28.

Conditions:
Familial thoracic aortic aneurysm and aortic dissection (TAAD). Also called: Thoracic aortic aneurysms and dissections. Identifiers: Orphanet 91387, MedGen C4707243, MONDO:0019625.
Aortic aneurysm, familial thoracic 4 (AAT4). Also called: AORTIC ANEURYSM/AORTIC DISSECTION AND PATENT DUCTUS ARTERIOSUS. Identifiers: MedGen C1851504, MONDO:0007568, OMIM 132900.

Allele frequency attached by ClinVar (database versions not stated): gnomAD exomes below 0.00001 and 0.00001; gnomAD 0.00001; TOPMed 0.00003.
gnomAD v4.1: 8 of 1,603,806 alleles (0.0005%); highest among the groups gnomAD compares: East Asian, 0.0067%; no homozygotes.

Submissions (4):

All of Us Research Program, National Institutes of Health
Classification: Likely benign for Familial thoracic aortic aneurysm and aortic dissection. Last evaluated: 2023-04-28. Review status: criteria provided, single submitter. Criteria: ACMG Guidelines, 2015. Collection method: clinical testing. Allele origin: germline. Inheritance: Autosomal dominant inheritance. Observed: 2 variant alleles, 2 heterozygotes.
Comment: This study involves interpretation of variants in research participants for the purpose of population health screening. Participant phenotype was not available at the time of variant classification. Additional details can be found in publication PMID: 35346344, PMCID: PMC8962531

Labcorp Genetics (formerly Invitae), Labcorp
Classification: Likely benign for Aortic aneurysm, familial thoracic 4. Last evaluated: 2021-08-17. Review status: criteria provided, single submitter. Criteria: Invitae Variant Classification Sherloc (09022015). Collection method: clinical testing. Allele origin: germline.

Ambry Genetics
Classification: Likely benign for Familial thoracic aortic aneurysm and aortic dissection. Last evaluated: 2019-10-29. Review status: criteria provided, single submitter. Criteria: Ambry Variant Classification Scheme 2023. Collection method: clinical testing. Allele origin: germline.

Color Diagnostics, LLC DBA Color Health
Classification: Likely benign for Familial thoracic aortic aneurysm and aortic dissection. Last evaluated: 2018-12-01. Review status: criteria provided, single submitter. Criteria: ACMG Guidelines, 2015. Collection method: clinical testing. Allele origin: germline.

NM_002474.3(MYH11):c.1875C>T (p.Ile625=)

Gene: MYH11 (myosin heavy chain 11; minus strand). Cytogenetic location: 16p13.11.
Variant type: single nucleotide variant.
Coding change: c.1875C>T on transcript NM_002474.3 (MANE Select); coding-DNA position 1875, C replaced by T.
Protein change: p.Ile625=; no amino-acid change (isoleucine 625 retained).
Molecular consequence: synonymous variant.
Genome position (GRCh38, 1-based): chr16:15,750,321, G>A on the plus strand (C>T on the coding strand, the complement: MYH11 is on the minus strand). VCF-style: chr16-15750321-G-A. GRCh37 (hg19) VCF-style: chr16-15844178-G-A.
Other names: c.1896C>T, p.Ile632= (NM_001040113.2, NM_001040114.2); c.1875C>T, p.Ile625= (NM_022844.3).
Identifiers: ClinVar variation 927981 (VCV000927981.12), dbSNP rs1018954722, ClinGen allele CA278638647.